The following is an entry in ClinVar:

ClinVar aggregate classification (germline): Uncertain significance (1 of 4 stars; one submission).

Conditions:
Hereditary cancer-predisposing syndrome. Also called: Hereditary Cancer Syndrome; Tumor predisposition; Neoplastic Syndromes, Hereditary; Hereditary neoplastic syndrome. Identifiers: Orphanet 140162, MedGen C0027672, MeSH D009386, MONDO:0015356.

Submission:

Ambry Genetics
Classification: Uncertain significance for Hereditary cancer-predisposing syndrome. Last evaluated: 2026-02-16. Review status: criteria provided, single submitter. Criteria: Ambry Variant Classification Scheme 2023. Collection method: clinical testing. Allele origin: germline.
Comment: The c.738+4T>G intronic variant results from a T to G substitution 4 nucleotides after coding exon 5 in the FH gene. This nucleotide position is not well conserved in available vertebrate species. In silico splice site analysis predicts that this alteration will not have any significant effect on splicing. Based on the available evidence, the clinical significance of this variant remains unclear.

NM_000143.4(FH):c.738+4T>G

Gene: FH (fumarate hydratase; minus strand). Cytogenetic location: 1q43.
Variant type: single nucleotide variant.
Coding change: c.738+4T>G on transcript NM_000143.4 (MANE Select); 4 bases into the intron after coding-DNA position 738, T replaced by G.
Molecular consequence: intron variant.
Genome position (GRCh38, 1-based): chr1:241,508,599, A>C on the plus strand (T>G on the coding strand, the complement: FH is on the minus strand). VCF-style: chr1-241508599-A-C. GRCh37 (hg19) VCF-style: chr1-241671899-A-C.
Identifiers: ClinVar variation 827006 (VCV000827006.5), dbSNP rs1203519378, ClinGen allele CA915942106.